The following is an entry in ClinVar:

ClinVar aggregate classification (germline): Likely pathogenic (1 of 4 stars; one submission).

Conditions:
Leukoencephalopathy, diffuse hereditary, with spheroids 1 (HDLS1). Also called: DEMENTIA, FAMILIAL, NEUMANN TYPE; SUBCORTICAL GLIOSIS OF NEUMANN; CSF1R-related adult-onset leukoencephalopathy with axonal spheroids and pigmented glia. Identifiers: Orphanet 313808, MedGen C5561929, MONDO:0800027, OMIM 221820.

gnomAD v4.1: 1 of 1,614,004 alleles (0.000062%); no homozygotes.

Submission:

Clinical Omics and Informatics (COIN) Unit, Neuroscience Institute, University Of Cape Town
Classification: Likely pathogenic for Leukoencephalopathy, diffuse hereditary, with spheroids 1. Last evaluated: 2025-03-05. Review status: criteria provided, single submitter. Criteria: ACMG Guidelines, 2015. Collection method: research. Allele origin: germline. Inheritance: Autosomal dominant inheritance. Affected: yes.
Comment: The highest population allele frequency in gnomAD v4.0 is 0.00001564 (0.002, 1/63948 alleles in the European Finnish population). No homozygous observations. PP3_Strong: Revel score is 0.98. PP2 Met: Missense Z score is 3.2. PM1 Met: CSF1R is a receptor tyrosine kinase and pathogenic missense changes are frequently clustered within its tyrosine kinase domain. The p.Glu664Val substitution lies within this region, which is known to be critical for protein function (PMID:30429277, 2219734). PM5 Met: A missense change affecting the same amino acid c.1990G>A (p.Glu664Lys) has been reported to segregate with five members of a family affected with hereditary diffuse leukoencephalopathy with axonal spheroids (PMID:27190017). Sequencing funded by the International Centre for Genomic Medicine in Neuromuscular Diseases (ICGNMD).

Literature cited by the submitters: PubMed 30429277; PubMed 2219734; PubMed 27190017.

NM_001288705.3(CSF1R):c.1991A>T (p.Glu664Val)

Gene: CSF1R (colony stimulating factor 1 receptor; minus strand). Cytogenetic location: 5q32.
Variant type: single nucleotide variant.
Coding change: c.1991A>T on transcript NM_001288705.3 (MANE Select); coding-DNA position 1991, A replaced by T.
Protein change: p.Glu664Val; replaces glutamic acid 664 with valine.
Molecular consequence: missense variant.
Genome position (GRCh38, 1-based): chr5:150,059,841, T>A on the plus strand (A>T on the coding strand, the complement: CSF1R is on the minus strand). VCF-style: chr5-150059841-T-A. GRCh37 (hg19) VCF-style: chr5-149439404-T-A.
Other names: c.1991A>T, p.Glu664Val (NM_001349736.2, NM_001375320.1, NM_005211.4); c.1547A>T, p.Glu516Val (NM_001375321.1); short protein forms E516V, E664V.
Identifiers: ClinVar variation 3781323 (VCV003781323.1).